The following is an entry in ClinVar:

ClinVar aggregate classification (germline): Uncertain significance (1 of 4 stars; one submission).

Submission:

Labcorp Genetics (formerly Invitae), Labcorp
Classification: Uncertain significance. Last evaluated: 2023-08-30. Review status: criteria provided, single submitter. Criteria: Invitae Variant Classification Sherloc (09022015). Collection method: clinical testing. Allele origin: germline.
Comment: This variant is not present in population databases (gnomAD no frequency). This sequence change replaces lysine, which is basic and polar, with asparagine, which is neutral and polar, at codon 160 of the NTRK2 protein (p.Lys160Asn). This variant has not been reported in the literature in individuals affected with NTRK2-related conditions. In summary, the available evidence is currently insufficient to determine the role of this variant in disease. Therefore, it has been classified as a Variant of Uncertain Significance. Advanced modeling of protein sequence and biophysical properties (such as structural, functional, and spatial information, amino acid conservation, physicochemical variation, residue mobility, and thermodynamic stability) performed at Invitae indicates that this missense variant is not expected to disrupt NTRK2 protein function.

NM_006180.6(NTRK2):c.480G>C (p.Lys160Asn)

Gene: NTRK2 (neurotrophic receptor tyrosine kinase 2; plus strand). Cytogenetic location: 9q21.33.
Variant type: single nucleotide variant.
Coding change: c.480G>C on transcript NM_006180.6 (MANE Select); coding-DNA position 480, G replaced by C.
Protein change: p.Lys160Asn; replaces lysine 160 with asparagine.
Molecular consequence: missense variant.
Genome position (GRCh38, 1-based): chr9:84,710,688, G>C. VCF-style: chr9-84710688-G-C. GRCh37 (hg19) VCF-style: chr9-87325603-G-C.
Other names: c.480G>C, p.Lys160Asn (NM_001007097.3, NM_001018064.3, NM_001018065.2 and 19 more transcripts); c.12G>C, p.Lys4Asn (NM_001369535.1, NM_001369536.1, NM_001369550.1 and 2 more transcripts); short protein forms K160N, K4N.
Identifiers: ClinVar variation 2755659 (VCV002755659.3), dbSNP rs2491732374, ClinGen allele CA374005794.